The following is an entry in ClinVar:

NM_015192.4(PLCB1):c.1612G>T (p.Glu538Ter)

Gene: PLCB1 (phospholipase C beta 1; plus strand). Cytogenetic location: 20p12.3.
Variant type: single nucleotide variant.
Coding change: c.1612G>T on transcript NM_015192.4 (MANE Select); coding-DNA position 1612, G replaced by T.
Protein change: p.Glu538Ter; replaces glutamic acid 538 with a stop codon.
Molecular consequence: nonsense.
Genome position (GRCh38, 1-based): chr20:8,724,686, G>T. VCF-style: chr20-8724686-G-T. GRCh37 (hg19) VCF-style: chr20-8705333-G-T.
Other names: c.1612G>T, p.Glu538Ter (NM_182734.3); short protein forms E538*.
Identifiers: ClinVar variation 648249 (VCV000648249.1), dbSNP rs1600278094, ClinGen allele CA408203409.

ClinVar aggregate classification (germline): Pathogenic (1 of 4 stars; one submission).

Conditions:
Developmental and epileptic encephalopathy, 12 (DEE12). Identifiers: MedGen C3150988, MONDO:0013389, OMIM 613722.

Submission:

Labcorp Genetics (formerly Invitae), Labcorp
Classification: Pathogenic for Early infantile epileptic encephalopathy 12. Last evaluated: 2018-08-08. Review status: criteria provided, single submitter. Criteria: Invitae Variant Classification Sherloc (09022015). Collection method: clinical testing. Allele origin: germline.
Comment: This sequence change creates a premature translational stop signal (p.Glu538*) in the PLCB1 gene. It is expected to result in an absent or disrupted protein product. This variant is not present in population databases (ExAC no frequency). This variant has not been reported in the literature in individuals with PLCB1-related disease. Loss-of-function variants in PLCB1 are known to be pathogenic (PMID: 24684524). For these reasons, this variant has been classified as Pathogenic.